The following is an entry in ClinVar:

ClinVar aggregate classification (germline): Uncertain significance (1 of 4 stars; one submission).

Submission:

Labcorp Genetics (formerly Invitae), Labcorp
Classification: Uncertain significance. Last evaluated: 2023-10-24. Review status: criteria provided, single submitter. Criteria: Invitae Variant Classification Sherloc (09022015). Collection method: clinical testing. Allele origin: germline.
Comment: This sequence change creates a premature translational stop signal (p.Ala36Leufs*6) in the CEP97 gene. It is expected to result in an absent or disrupted protein product. However, the current clinical and genetic evidence is not sufficient to establish whether loss-of-function variants in CEP97 cause disease. This variant is not present in population databases (gnomAD no frequency). This variant has not been reported in the literature in individuals affected with CEP97-related conditions. Algorithms developed to predict the effect of sequence changes on RNA splicing suggest that this variant may disrupt the consensus splice site. In summary, the available evidence is currently insufficient to determine the role of this variant in disease. Therefore, it has been classified as a Variant of Uncertain Significance.

NM_024548.4(CEP97):c.105del (p.Ala36fs)

Gene: CEP97 (centrosomal protein 97; plus strand). Cytogenetic location: 3q12.3.
Variant type: Deletion.
Coding change: c.105del on transcript NM_024548.4 (MANE Select); coding-DNA position 105, one base deleted (A; older notation c.105delA).
Protein change: p.Ala36fs; shifts the reading frame from alanine 36.
Molecular consequence: frameshift variant.
Genome position (GRCh38, 1-based): chr3:101,726,655, A deleted; the last of 2 consecutive A bases (chr3:101,726,654-101,726,655); deleting either gives the same sequence. VCF-style (leftmost placement, unchanged base first): chr3-101726653-GA-G. GRCh37 (hg19) VCF-style: chr3-101445497-GA-G.
Other names: c.105del, p.Ala36fs (NM_001410785.1, NM_001303401.2, NM_001410784.1); short protein forms A36fs.
Identifiers: ClinVar variation 3016467 (VCV003016467.3), dbSNP rs2545818705, ClinGen allele CA2666801827.